The following is an entry in ClinVar:

ClinVar aggregate classification (germline): Uncertain significance (1 of 4 stars; one submission).

Submission:

Labcorp Genetics (formerly Invitae), Labcorp
Classification: Uncertain significance. Last evaluated: 2022-07-19. Review status: criteria provided, single submitter. Criteria: Invitae Variant Classification Sherloc (09022015). Collection method: clinical testing. Allele origin: germline.
Comment: In summary, the available evidence is currently insufficient to determine the role of this variant in disease. Therefore, it has been classified as a Variant of Uncertain Significance. Algorithms developed to predict the effect of missense changes on protein structure and function (SIFT, PolyPhen-2, Align-GVGD) all suggest that this variant is likely to be disruptive. This variant has not been reported in the literature in individuals affected with CLCN2-related conditions. This variant is not present in population databases (gnomAD no frequency). This sequence change replaces alanine, which is neutral and non-polar, with serine, which is neutral and polar, at codon 543 of the CLCN2 protein (p.Ala543Ser).

NM_004366.6(CLCN2):c.1627G>T (p.Ala543Ser)

Gene: CLCN2 (chloride voltage-gated channel 2; minus strand). Cytogenetic location: 3q27.1.
Variant type: single nucleotide variant.
Coding change: c.1627G>T on transcript NM_004366.6 (MANE Select); coding-DNA position 1627, G replaced by T.
Protein change: p.Ala543Ser; replaces alanine 543 with serine.
Molecular consequence: missense variant.
Genome position (GRCh38, 1-based): chr3:184,354,195, C>A on the plus strand (G>T on the coding strand, the complement: CLCN2 is on the minus strand). VCF-style: chr3-184354195-C-A. GRCh37 (hg19) VCF-style: chr3-184071983-C-A.
Other names: c.1576G>T, p.Ala526Ser (NM_001171087.3); c.1495G>T, p.Ala499Ser (NM_001171088.3); c.1627G>T, p.Ala543Ser (NM_001171089.3); short protein forms A499S, A526S, A543S.
Identifiers: ClinVar variation 1941591 (VCV001941591.5), dbSNP rs745479097, ClinGen allele CA355449700.